The following is an entry in ClinVar:

NM_001083962.2(TCF4):c.990+2T>G

Gene: TCF4 (transcription factor 4; minus strand). Cytogenetic location: 18q21.2.
Variant type: single nucleotide variant.
Coding change: c.990+2T>G on transcript NM_001083962.2 (MANE Select); the canonical splice donor site of the intron after coding-DNA position 990, T replaced by G.
Molecular consequence: splice donor variant.
Genome position (GRCh38, 1-based): chr18:55,261,464, A>C on the plus strand (T>G on the coding strand, the complement: TCF4 is on the minus strand). VCF-style: chr18-55261464-A-C. GRCh37 (hg19) VCF-style: chr18-52928695-A-C.
Other names: c.918+2T>G (NM_001369580.1, NM_001348219.2, NM_001348218.2 and 9 more transcripts); c.864+2T>G (NM_001243231.2, NM_001348211.2); c.600+2T>G (NM_001348212.2, NM_001348213.2, NM_001243233.2 and 1 more transcripts); c.510+2T>G (NM_001348214.2, NM_001243235.2, NM_001243234.2 and 2 more transcripts); c.342+2T>G (NM_001348215.2); c.915+2T>G (NM_001348220.1, NM_001369584.1, NM_001369576.1 and 3 more transcripts); c.777+2T>G (NM_001306208.1, NM_001243232.1); c.1296+2T>G (NM_001243226.3); and 4 more.
Identifiers: ClinVar variation 4852017 (VCV004852017.1).

ClinVar aggregate classification (germline): Pathogenic (1 of 4 stars; one submission).

Submission:

Dasa
Classification: Pathogenic. Last evaluated: 2026-04-09. Review status: criteria provided, single submitter. Criteria: DASA Assertion Criteria. Collection method: clinical testing. Allele origin: germline.
Comment: NM_001083962.2(TCF4):c.990+2T>G affects a canonical splice site and is predicted to disrupt normal RNA splicing, leading to loss of normal protein function. Loss-of-function is an established mechanism of disease for this gene. This variant results in the same amino acid change as a previously established pathogenic variant. The variant is present at low frequency in population datasets. Based on the available data, this variant is classified as pathogenic.